The following is an entry in ClinVar:

NM_002156.5(HSPD1):c.607-53C>G

Gene: HSPD1 (heat shock protein family D (Hsp60) member 1; minus strand). Cytogenetic location: 2q33.1.
Variant type: single nucleotide variant.
Coding change: c.607-53C>G on transcript NM_002156.5 (MANE Select); 53 bases into the intron before coding-DNA position 607, C replaced by G.
Molecular consequence: intron variant.
Genome position (GRCh38, 1-based): chr2:197,494,303, G>C on the plus strand (C>G on the coding strand, the complement: HSPD1 is on the minus strand). VCF-style: chr2-197494303-G-C. GRCh37 (hg19) VCF-style: chr2-198359027-G-C.
Other names: c.607-53C>G (NM_199440.2).
Identifiers: ClinVar variation 671556 (VCV000671556.2), dbSNP rs7585486, ClinGen allele CA15188494.
Genomic context (GRCh38, chr2:197,494,303, plus strand): 5'-TTTCCATCCTATGAAAAGTCAAAGAATTAGGTATATGGATTTCATTGAACACAAAACATG[G>C]AATTACAGGCCAGATTAATAAAAACAGACCCCTCTGGCCATAAGAGATGCAGGGTAGAGT-3'

ClinVar aggregate classification (germline): Benign. Review status: criteria provided, multiple submitters, no conflicts (2 of 4 stars). 2 submissions from 2 submitters: Benign (2). Last evaluated 2018-06-18.

Allele frequency attached by ClinVar (database versions not stated): 1000 Genomes Project 30x 0.11899; 1000 Genomes Project 0.12280; ESP Exome Variant Server 0.12979; gnomAD 0.13727 and 0.13857; TOPMed 0.14038; gnomAD exomes 0.16774.
gnomAD v4.1: 146,663 of 899,428 alleles (16%); highest among the groups gnomAD compares: East Asian, 23%; 13,129 homozygotes.

Submissions (2):

GeneDx
Classification: Benign. Last evaluated: 2018-06-18. Review status: criteria provided, single submitter. Criteria: GeneDx Variant Classification (06012015). Collection method: clinical testing. Allele origin: germline. Affected: yes.
Comment: This variant is considered likely benign or benign based on one or more of the following criteria: it is a conservative change, it occurs at a poorly conserved position in the protein, it is predicted to be benign by multiple in silico algorithms, and/or has population frequency not consistent with disease.

Breakthrough Genomics
Classification: Benign. Review status: criteria provided, single submitter. Criteria: ACMG Guidelines, 2015. Collection method: not provided. Allele origin: germline. Inheritance: Autosomal recessive inheritance. Affected: yes.